The following is an entry in ClinVar:

ClinVar aggregate classification (germline): Conflicting classifications of pathogenicity. Review status: criteria provided, conflicting classifications (1 of 4 stars). 2 submissions from 2 submitters: Uncertain significance (1); Likely benign (1). Last evaluated 2026-05-15.

Conditions:
Hereditary cancer-predisposing syndrome. Also called: Neoplastic Syndromes, Hereditary; Hereditary neoplastic syndrome; Hereditary Cancer Syndrome; Tumor predisposition. Identifiers: Orphanet 140162, MedGen C0027672, MeSH D009386, MONDO:0015356.
Hereditary diffuse gastric adenocarcinoma (HDGC). Also called: DIFFUSE GASTRIC AND LOBULAR BREAST CANCER SYNDROME. Identifiers: Orphanet 26106, MedGen C1708349, MONDO:0007648, OMIM 137215.

Submissions (2):

Ambry Genetics
Classification: Likely benign for Hereditary cancer-predisposing syndrome. Last evaluated: 2026-05-15. Review status: criteria provided, single submitter. Criteria: Ambry Variant Classification Scheme 2023. Collection method: clinical testing. Allele origin: germline.

Labcorp Genetics (formerly Invitae), Labcorp
Classification: Uncertain significance for Hereditary diffuse gastric adenocarcinoma. Last evaluated: 2022-12-26. Review status: criteria provided, single submitter. Criteria: Invitae Variant Classification Sherloc (09022015). Collection method: clinical testing. Allele origin: germline.
Comment: This sequence change replaces alanine, which is neutral and non-polar, with valine, which is neutral and non-polar, at codon 617 of the CDH1 protein (p.Ala617Val). In summary, the available evidence is currently insufficient to determine the role of this variant in disease. Therefore, it has been classified as a Variant of Uncertain Significance. Algorithms developed to predict the effect of missense changes on protein structure and function (SIFT, PolyPhen-2, Align-GVGD) all suggest that this variant is likely to be tolerated. ClinVar contains an entry for this variant (Variation ID: 820182). This variant has not been reported in the literature in individuals affected with CDH1-related conditions. This variant is not present in population databases (gnomAD no frequency).

NM_004360.5(CDH1):c.1850C>T (p.Ala617Val)

Gene: CDH1 (cadherin 1; plus strand). Cytogenetic location: 16q22.1.
Variant type: single nucleotide variant.
Coding change: c.1850C>T on transcript NM_004360.5 (MANE Select); coding-DNA position 1850, C replaced by T.
Protein change: p.Ala617Val; replaces alanine 617 with valine.
Molecular consequence: missense variant. On other transcripts: 5 prime UTR variant (1).
Genome position (GRCh38, 1-based): chr16:68,822,139, C>T. VCF-style: chr16-68822139-C-T. GRCh37 (hg19) VCF-style: chr16-68856042-C-T.
Other names: c.1667C>T, p.Ala556Val (NM_001317184.2); c.302C>T, p.Ala101Val (NM_001317185.2); c.-116C>T (NM_001317186.2); short protein forms A617V, A556V, A101V.
Identifiers: ClinVar variation 820182 (VCV000820182.8), dbSNP rs1596963675, ClinGen allele CA396467015.
Genomic context (GRCh38, chr16:68,822,139, plus strand): 5'-CTCGAACTATATTCTTCTGTGAGAGGAATCCAAAGCCTCAGGTCATAAACATCATTGATG[C>T]AGACCTTCCTCCCAATACATCTCCCTTCACAGCAGAACTAACACACGGGGCGAGTGCCAA-3'
Protein context (NP_004351.1, residues 607-627): PKPQVINIID[Ala617Val]DLPPNTSPFT